The following is an entry in ClinVar:

ClinVar aggregate classification (germline): Uncertain significance (1 of 4 stars; one submission).

Submission:

GeneDx
Classification: Uncertain significance. Last evaluated: 2026-02-10. Review status: criteria provided, single submitter. Criteria: GeneDx Variant Classification Process June 2021. Collection method: clinical testing. Allele origin: germline.
Comment: Not observed at significant frequency in large population cohorts (gnomAD); In silico analysis suggests that this missense variant does not alter protein structure/function; Has not been previously published as pathogenic or benign to our knowledge

NM_173560.4(RFX6):c.272A>G (p.Asp91Gly)

Gene: RFX6 (regulatory factor X6; plus strand). Cytogenetic location: 6q22.1.
Variant type: single nucleotide variant.
Coding change: c.272A>G on transcript NM_173560.4 (MANE Select); coding-DNA position 272, A replaced by G.
Protein change: p.Asp91Gly; replaces aspartic acid 91 with glycine.
Molecular consequence: missense variant.
Genome position (GRCh38, 1-based): chr6:116,877,844, A>G. VCF-style: chr6-116877844-A-G. GRCh37 (hg19) VCF-style: chr6-117199007-A-G.
Other names: short protein forms D91G.
Identifiers: ClinVar variation 4975537 (VCV004975537.1).